The following is an entry in ClinVar:

NM_018972.4(GDAP1):c.694+24C>T

Gene: GDAP1 (ganglioside induced differentiation associated protein 1; plus strand). Cytogenetic location: 8q21.11.
Variant type: single nucleotide variant.
Coding change: c.694+24C>T on transcript NM_018972.4 (MANE Select); 24 bases into the intron after coding-DNA position 694, C replaced by T.
Molecular consequence: intron variant.
Genome position (GRCh38, 1-based): chr8:74,363,077, C>T. VCF-style: chr8-74363077-C-T. GRCh37 (hg19) VCF-style: chr8-75275312-C-T.
Other names: c.694+24C>T (NM_001362931.2); c.520+24C>T (NM_001362930.2); c.367+24C>T (NM_001362929.2, NM_001362932.2); c.490+24C>T (NM_001040875.4).
Identifiers: ClinVar variation 670531 (VCV000670531.4), dbSNP rs4463412, ClinGen allele CA4785169.

ClinVar aggregate classification (germline): Benign. Review status: criteria provided, multiple submitters, no conflicts (2 of 4 stars). 6 submissions from 3 submitters: Benign (6). Last evaluated 2021-08-10.

Conditions:
Charcot-Marie-Tooth disease type 4A. Also called: Charcot-Marie-Tooth disease, demyelinating, autosomal recessive, type 4a. Identifiers: Orphanet 99948, MedGen C1859198, MONDO:0008961, OMIM 214400.
Charcot-Marie-Tooth disease axonal type 2K (CMT2K). Also called: CHARCOT-MARIE-TOOTH DISEASE, AXONAL, AUTOSOMAL RECESSIVE, TYPE 2K; CHARCOT-MARIE-TOOTH NEUROPATHY, AXONAL, TYPE 2K; Charcot-Marie-Tooth disease type 2K. Identifiers: Orphanet 101097, Orphanet 99944, MedGen C1842983, MONDO:0011916, OMIM 607831.
Charcot-Marie-Tooth disease, axonal, with vocal cord paresis, autosomal recessive. Also called: CHARCOT-MARIE-TOOTH DISEASE, TYPE 4A, AXONAL FORM; CHARCOT-MARIE-TOOTH NEUROPATHY, AXONAL, WITH VOCAL CORD PARESIS, AUTOSOMAL RECESSIVE; CMT2 WITH VOCAL CORD PARESIS, AUTOSOMAL RECESSIVE. Identifiers: Orphanet 101097, MedGen C1843183, MONDO:0011898, OMIM 607706.
Charcot-Marie-Tooth disease recessive intermediate A (CMTRIA). Also called: CHARCOT-MARIE-TOOTH NEUROPATHY, RECESSIVE INTERMEDIATE A. Identifiers: Orphanet 217055, MedGen C1842197, MONDO:0012014, OMIM 608340.

Allele frequency attached by ClinVar (database versions not stated): 1000 Genomes Project 0.99561; 1000 Genomes Project 30x 0.99578; ExAC 0.99732; gnomAD exomes 0.99747 and 0.99833; gnomAD 0.99928 and 0.99998; TOPMed 0.99991.
gnomAD v4.1: 1,032,697 of 1,034,254 alleles (100%); highest among the groups gnomAD compares: Non-Finnish European, 100%; 515,600 homozygotes.

Submissions (6):

Genome-Nilou Lab
Classification: Benign for Charcot-Marie-Tooth disease axonal type 2K. Last evaluated: 2021-08-10. Review status: criteria provided, single submitter. Criteria: ACMG Guidelines, 2015. Collection method: clinical testing. Allele origin: germline. Affected: no.

Genome-Nilou Lab
Classification: Benign for Charcot-Marie-Tooth disease, axonal, with vocal cord paresis, autosomal recessive. Last evaluated: 2021-08-10. Review status: criteria provided, single submitter. Criteria: ACMG Guidelines, 2015. Collection method: clinical testing. Allele origin: germline. Affected: no.

Genome-Nilou Lab
Classification: Benign for Charcot-Marie-Tooth disease recessive intermediate A. Last evaluated: 2021-08-10. Review status: criteria provided, single submitter. Criteria: ACMG Guidelines, 2015. Collection method: clinical testing. Allele origin: germline. Affected: no.

Genome-Nilou Lab
Classification: Benign for Charcot-Marie-Tooth disease type 4A. Last evaluated: 2021-08-10. Review status: criteria provided, single submitter. Criteria: ACMG Guidelines, 2015. Collection method: clinical testing. Allele origin: germline. Affected: no.

GeneDx
Classification: Benign. Last evaluated: 2018-06-14. Review status: criteria provided, single submitter. Criteria: GeneDx Variant Classification (06012015). Collection method: clinical testing. Allele origin: germline. Affected: yes.
Comment: This variant is considered likely benign or benign based on one or more of the following criteria: it is a conservative change, it occurs at a poorly conserved position in the protein, it is predicted to be benign by multiple in silico algorithms, and/or has population frequency not consistent with disease.

Breakthrough Genomics
Classification: Benign. Review status: criteria provided, single submitter. Criteria: ACMG Guidelines, 2015. Collection method: not provided. Allele origin: germline. Inheritance: Autosomal recessive inheritance. Affected: yes.